The following is an entry in ClinVar:

ClinVar aggregate classification (germline): Uncertain significance (1 of 4 stars; one submission).

Conditions:
Cardiovascular phenotype. Identifiers: MedGen CN230736.

Submission:

Ambry Genetics
Classification: Uncertain significance for Cardiovascular phenotype. Last evaluated: 2024-10-27. Review status: criteria provided, single submitter. Criteria: Ambry Variant Classification Scheme 2023. Collection method: clinical testing. Allele origin: germline.
Comment: The p.P218L variant (also known as c.653C>T), located in coding exon 3 of the APOA5 gene, results from a C to T substitution at nucleotide position 653. The proline at codon 218 is replaced by leucine, an amino acid with similar properties. This amino acid position is conserved. In addition, this alteration is predicted to be tolerated by in silico analysis. Based on the available evidence, the clinical significance of this variant remains unclear.

NM_001371904.1(APOA5):c.653C>T (p.Pro218Leu)

Gene: APOA5 (apolipoprotein A5; minus strand). Cytogenetic location: 11q23.3.
Variant type: single nucleotide variant.
Coding change: c.653C>T on transcript NM_001371904.1 (MANE Select); coding-DNA position 653, C replaced by T.
Protein change: p.Pro218Leu; replaces proline 218 with leucine.
Molecular consequence: missense variant.
Genome position (GRCh38, 1-based): chr11:116,790,576, G>A on the plus strand (C>T on the coding strand, the complement: APOA5 is on the minus strand). VCF-style: chr11-116790576-G-A. GRCh37 (hg19) VCF-style: chr11-116661292-G-A.
Other names: c.653C>T, p.Pro218Leu (NM_001166598.2, NM_052968.5); short protein forms P218L.
Identifiers: ClinVar variation 3414432 (VCV003414432.1).